The following is an entry in ClinVar:

NM_000264.5(PTCH1):c.1933T>C (p.Tyr645His)

Genes: PTCH1 (patched 1; minus strand), LOC100507346 (uncharacterized LOC100507346; plus strand). Cytogenetic location: 9q22.32.
Variant type: single nucleotide variant.
Coding change: c.1933T>C on transcript NM_000264.5 (MANE Select); coding-DNA position 1933, T replaced by C.
Protein change: p.Tyr645His; replaces tyrosine 645 with histidine.
Molecular consequence: missense variant. On other transcripts: non-coding transcript variant (2).
Genome position (GRCh38, 1-based): chr9:95,469,068, A>G on the plus strand (T>C on the coding strand, the complement: PTCH1 is on the minus strand). VCF-style: chr9-95469068-A-G. GRCh37 (hg19) VCF-style: chr9-98231350-A-G.
Other names: c.1735T>C, p.Tyr579His (NM_001083602.3); c.1930T>C, p.Tyr644His (NM_001083603.3); c.1480T>C, p.Tyr494His (NM_001083604.3, NM_001083605.3, NM_001083606.3 and 1 more transcripts); c.1777T>C, p.Tyr593His (NM_001354918.2); short protein forms Y579H, Y494H, Y644H, Y593H, Y645H.
Identifiers: ClinVar variation 4146890 (VCV004146890.1).

ClinVar aggregate classification (germline): Uncertain significance (1 of 4 stars; one submission).

Conditions:
Hereditary cancer-predisposing syndrome. Also called: Hereditary neoplastic syndrome; Neoplastic Syndromes, Hereditary; Tumor predisposition; Hereditary Cancer Syndrome. Identifiers: Orphanet 140162, MedGen C0027672, MeSH D009386, MONDO:0015356.

Submission:

Ambry Genetics
Classification: Uncertain significance for Hereditary cancer-predisposing syndrome. Last evaluated: 2025-08-22. Review status: criteria provided, single submitter. Criteria: Ambry Variant Classification Scheme 2023. Collection method: clinical testing. Allele origin: germline.
Comment: The p.Y645H variant (also known as c.1933T>C), located in coding exon 14 of the PTCH1 gene, results from a T to C substitution at nucleotide position 1933. The tyrosine at codon 645 is replaced by histidine, an amino acid with similar properties. This amino acid position is conserved. In addition, the in silico prediction for this alteration is inconclusive. Based on the available evidence, the clinical significance of this variant remains unclear.